The following is an entry in ClinVar:

NM_001042492.3(NF1):c.7961T>C (p.Phe2654Ser)

Gene: NF1 (neurofibromin 1; plus strand). Cytogenetic location: 17q11.2.
Variant type: single nucleotide variant.
Coding change: c.7961T>C on transcript NM_001042492.3 (MANE Select); coding-DNA position 7961, T replaced by C.
Protein change: p.Phe2654Ser; replaces phenylalanine 2654 with serine.
Molecular consequence: missense variant.
Genome position (GRCh38, 1-based): chr17:31,357,360, T>C. VCF-style: chr17-31357360-T-C. GRCh37 (hg19) VCF-style: chr17-29684378-T-C.
Other names: c.7898T>C, p.Phe2633Ser (NM_000267.4); short protein forms F2633S, F2654S.
Identifiers: ClinVar variation 4800810 (VCV004800810.1).
Genomic context (GRCh38, chr17:31,357,360, plus strand): 5'-TTGATCAACGAATTCTTTATGAATACTTAGCAGAGGCCAGTGTTGTGTTTCCCAAAGTCT[T>C]TCCTGTTGTGTAAGTATCTCCTTTTGATTTTAATTCACCTTCGTGCCTGTCTTTAAGTTA-3'
Protein context (NP_001035957.1, residues 2644-2664): AEASVVFPKV[Phe2654Ser]PVVHNLLDSK

ClinVar aggregate classification (germline): Uncertain significance (1 of 4 stars; one submission).

Conditions:
Neurofibromatosis, type 1 (NF1). Also called: VON RECKLINGHAUSEN DISEASE; Neurofibromatosis, type I; NEUROFIBROMATOSIS, TYPE I, SOMATIC; Peripheral type neurofibromatosis. Identifiers: Orphanet 636, MedGen C0027831, MONDO:0018975, OMIM 162200. Disease mechanism: loss of function.

gnomAD v4.1: 1 of 1,612,652 alleles (0.000062%); highest among the groups gnomAD compares: Non-Finnish European, 0.000085%; no homozygotes.

Submission:

Labcorp Genetics (formerly Invitae), Labcorp
Classification: Uncertain significance for Neurofibromatosis, type 1. Last evaluated: 2025-04-29. Review status: criteria provided, single submitter. Criteria: Invitae Variant Classification Sherloc (09022015). Collection method: clinical testing. Allele origin: germline.
Comment: This sequence change replaces phenylalanine, which is neutral and non-polar, with serine, which is neutral and polar, at codon 2633 of the NF1 protein (p.Phe2633Ser). This variant is not present in population databases (gnomAD no frequency). This variant has not been reported in the literature in individuals affected with NF1-related conditions. Invitae Evidence Modeling of protein sequence and biophysical properties (such as structural, functional, and spatial information, amino acid conservation, physicochemical variation, residue mobility, and thermodynamic stability) indicates that this missense variant is expected to disrupt NF1 protein function with a positive predictive value of 95%. In summary, the available evidence is currently insufficient to determine the role of this variant in disease. Therefore, it has been classified as a Variant of Uncertain Significance.